The following is an entry in ClinVar:

ClinVar aggregate classification (germline): Pathogenic. Review status: criteria provided, multiple submitters, no conflicts (2 of 4 stars). 2 submissions from 2 submitters: Pathogenic (2). Last evaluated 2026-09-09.

Conditions:
Donnai-Barrow syndrome. Also called: DBS/FOAR SYNDROME; FACIOOCULOACOUSTICORENAL SYNDROME. Identifiers: Orphanet 2143, MedGen C1857277, MONDO:0009104, OMIM 222448.

Allele frequency attached by ClinVar (database versions not stated): TOPMed below 0.00001; gnomAD 0.00001; gnomAD exomes below 0.00001.

Submissions (2):

Myriad Genetics, Inc.
Classification: Pathogenic for Donnai-Barrow syndrome. Last evaluated: 2026-09-09. Review status: criteria provided, single submitter. Criteria: Myriad Autosomal Dominant, Autosomal Recessive and X-Linked Classification Criteria (2023). Collection method: clinical testing. Allele origin: unknown.
Comment: NM_004525.2(LRP2):c.6727C>T(R2243*) is expected to be pathogenic in the context of Donnai-Barrow syndrome. This variant is predicted to lead to an abnormal or absent protein product due to the creation of a premature termination codon in LRP2, a gene where loss-of-function variants are known to be pathogenic. Please note: this variant was assessed in the context of healthy population screening.

Labcorp Genetics (formerly Invitae), Labcorp
Classification: Pathogenic. Last evaluated: 2025-11-24. Review status: criteria provided, single submitter. Criteria: Invitae Variant Classification Sherloc (09022015). Collection method: clinical testing. Allele origin: germline.
Comment: This sequence change creates a premature translational stop signal (p.Arg2243*) in the LRP2 gene. It is expected to result in an absent or disrupted protein product. Loss-of-function variants in LRP2 are known to be pathogenic (PMID: 17632512, 25682901). This variant is present in population databases (no rsID available, gnomAD 0.009%). This premature translational stop signal has been observed in individual(s) with clinical features of autosomal recessive Donnai-Barrow syndrome (PMID: 29532936). ClinVar contains an entry for this variant (Variation ID: 2910152). For these reasons, this variant has been classified as Pathogenic.

Literature cited by the submitters: PubMed 17632512 (cited by Labcorp Genetics (formerly Invitae), Labcorp); PubMed 25682901 (cited by Labcorp Genetics (formerly Invitae), Labcorp); PubMed 29532936 (cited by Labcorp Genetics (formerly Invitae), Labcorp).

NM_004525.3(LRP2):c.6727C>T (p.Arg2243Ter)

Gene: LRP2 (LDL receptor related protein 2; minus strand). Cytogenetic location: 2q31.1.
Variant type: single nucleotide variant.
Coding change: c.6727C>T on transcript NM_004525.3 (MANE Select); coding-DNA position 6727, C replaced by T.
Protein change: p.Arg2243Ter; replaces arginine 2243 with a stop codon.
Molecular consequence: nonsense.
Genome position (GRCh38, 1-based): chr2:169,206,993, G>A on the plus strand (C>T on the coding strand, the complement: LRP2 is on the minus strand). VCF-style: chr2-169206993-G-A. GRCh37 (hg19) VCF-style: chr2-170063503-G-A.
Other names: short protein forms R2243*.
Identifiers: ClinVar variation 2910152 (VCV002910152.4), dbSNP rs1237905737, ClinGen allele CA349172858.